The following is an entry in ClinVar:

ClinVar aggregate classification (germline): Pathogenic (1 of 4 stars; one submission).

Conditions:
Primary ciliary dyskinesia. Also called: Ciliary dyskinesia. Identifiers: Orphanet 244, MedGen C0008780, MONDO:0016575, HP:0012265.

gnomAD v4.1: 1 of 1,613,964 alleles (0.000062%); highest among the groups gnomAD compares: African/African-American, 0.0013%; no homozygotes.

Submission:

Labcorp Genetics (formerly Invitae), Labcorp
Classification: Pathogenic for Primary ciliary dyskinesia. Last evaluated: 2023-12-30. Review status: criteria provided, single submitter. Criteria: Invitae Variant Classification Sherloc (09022015). Collection method: clinical testing. Allele origin: germline.
Comment: This sequence change creates a premature translational stop signal (p.Gln1034*) in the CCDC40 gene. It is expected to result in an absent or disrupted protein product. Loss-of-function variants in CCDC40 are known to be pathogenic (PMID: 21131974, 22693285, 23255504). This variant is not present in population databases (gnomAD no frequency). This variant has not been reported in the literature in individuals affected with CCDC40-related conditions. For these reasons, this variant has been classified as Pathogenic.

Literature cited by the submitters: PubMed 21131974; PubMed 22693285; PubMed 23255504.

NM_017950.4(CCDC40):c.3100C>T (p.Gln1034Ter)

Gene: CCDC40 (coiled-coil domain 40 molecular ruler complex subunit; plus strand). Cytogenetic location: 17q25.3.
Variant type: single nucleotide variant.
Coding change: c.3100C>T on transcript NM_017950.4 (MANE Select); coding-DNA position 3100, C replaced by T.
Protein change: p.Gln1034Ter; replaces glutamine 1034 with a stop codon.
Molecular consequence: nonsense.
Genome position (GRCh38, 1-based): chr17:80,097,323, C>T. VCF-style: chr17-80097323-C-T. GRCh37 (hg19) VCF-style: chr17-78071122-C-T.
Other names: short protein forms Q1034*.
Identifiers: ClinVar variation 3013286 (VCV003013286.3), dbSNP rs367614851, ClinGen allele CA401356680.